The following is an entry in ClinVar:

NM_130837.3(OPA1):c.704T>C (p.Leu235Ser)

Genes: OPA1 (OPA1 mitochondrial dynamin like GTPase; plus strand), OPA1-AS1 (OPA1 antisense RNA 1; minus strand). Cytogenetic location: 3q29.
Variant type: single nucleotide variant.
Coding change: c.704T>C on transcript NM_130837.3 (MANE Select); coding-DNA position 704, T replaced by C.
Protein change: p.Leu235Ser; replaces leucine 235 with serine.
Molecular consequence: missense variant. On other transcripts: intron variant (5).
Genome position (GRCh38, 1-based): chr3:193,626,117, T>C. VCF-style: chr3-193626117-T-C. GRCh37 (hg19) VCF-style: chr3-193343906-T-C.
Other names: c.170T>C, p.Leu57Ser (NM_001354663.2); c.542T>C, p.Leu181Ser (NM_130833.3); c.596T>C, p.Leu199Ser (NM_130835.3); c.650T>C, p.Leu217Ser (NM_130836.3); c.253-5495T>C (NM_001354664.2); c.679-5495T>C (NM_130834.3); c.625-5495T>C (NM_015560.3); c.571-5495T>C (NM_130832.3); and 1 more; short protein forms L199S, L217S, L181S, L235S, L57S.
Identifiers: ClinVar variation 4965564 (VCV004965564.2).
Genomic context (GRCh38, chr3:193,626,117, plus strand): 5'-AATTTCCTCTTCTCCTCATTGTGAACTCGTGGCAGGGTCTGCTTGGTGAGCTCATTCTCT[T>C]ACAACAACAAATTCAAGAGCATGAAGAGGAAGCGCGCAGAGCCGCTGGCCAATATAGCAC-3'
Protein context (NP_570850.2, residues 225-245): RKGLLGELIL[Leu235Ser]QQQIQEHEEE

ClinVar aggregate classification (germline): Uncertain significance. Review status: criteria provided, multiple submitters, no conflicts (2 of 4 stars). 2 submissions from 2 submitters: Uncertain significance (2). Last evaluated 2025-12-18.

Conditions:
OPA1-related disorder. Also called: OPA1-related condition; OPA1-related disorders.

gnomAD v4.1: 16 of 1,614,040 alleles (0.00099%); highest among the groups gnomAD compares: East Asian, 0.033%; no homozygotes.

Submissions (2):

PreventionGenetics, part of Exact Sciences
Classification: Uncertain significance for OPA1-related condition. Last evaluated: 2025-12-18. Review status: criteria provided, single submitter. Criteria: ACMG Guidelines, 2015. Collection method: clinical testing. Allele origin: germline.
Comment: The OPA1 c.704T>C variant is predicted to result in the amino acid substitution p.Leu235Ser. This variant is deep intronic in transcript NM_015560: c.625-5495T>C. This variant has been reported along with a second OPA1 variant in an individual with Duchenne muscular dystrophy and OPA1 associated conditions (Supplementary Table 2, Ge et al. 2024. PubMedID: 39588385). This variant was also identified in two individuals with hereditary eye disease (Xu et al. 2021. PubMedID: 33884488); however, whether a second variant was identified is unknown. This variant is present in 0.027% of alleles in individuals of East Asian descent in gnomAD. At this time, the clinical significance of this variant is uncertain due to the absence of conclusive functional and genetic evidence.

Blueprint Genetics
Classification: Uncertain significance. Last evaluated: 2022-05-11. Review status: criteria provided, single submitter. Criteria: ACMG Guidelines, 2015. Collection method: clinical testing. Allele origin: germline.